The following is an entry in ClinVar:

NM_144687.4(NLRP12):c.3088C>T (p.Arg1030Ter)

Gene: NLRP12 (NLR family pyrin domain containing 12; minus strand). Cytogenetic location: 19q13.42.
Variant type: single nucleotide variant.
Coding change: c.3088C>T on transcript NM_144687.4 (MANE Select); coding-DNA position 3088, C replaced by T.
Protein change: p.Arg1030Ter; replaces arginine 1030 with a stop codon.
Molecular consequence: nonsense.
Genome position (GRCh38, 1-based): chr19:53,795,869, G>A on the plus strand (C>T on the coding strand, the complement: NLRP12 is on the minus strand). VCF-style: chr19-53795869-G-A. GRCh37 (hg19) VCF-style: chr19-54299123-G-A.
Other names: c.3091C>T, p.Arg1031Ter (NM_001277126.2); c.2917C>T, p.Arg973Ter (NM_001277129.1); short protein forms R1031*, R973*, R1030*.
Identifiers: ClinVar variation 945830 (VCV000945830.10), dbSNP rs201619538, ClinGen allele CA9638782.
Genomic context (GRCh38, chr19:53,795,869, plus strand): 5'-CCAGCCCAATGTCCAGCCTCCTCCAGAAAGAACTGGTCATCATCCCTCACCAGAGGACTC[G>A]GAGTTTGCAGCCAGGATGGCTCAGCCGCTTGCAAAGCAGTCGGACACCTGTGTCCCCTAG-3'

ClinVar aggregate classification (germline): Uncertain significance. Review status: criteria provided, multiple submitters, no conflicts (2 of 4 stars). 3 submissions from 3 submitters: Uncertain significance (3). Last evaluated 2025-12-21.

Conditions:
Familial cold autoinflammatory syndrome 2 (FCAS2). Identifiers: Orphanet 247868, MedGen C2673198, MONDO:0012724, OMIM 611762.

Allele frequency attached by ClinVar (database versions not stated): ESP Exome Variant Server 0.00008; TOPMed 0.00008; 1000 Genomes Project 30x 0.00047; 1000 Genomes Project 0.00060.
gnomAD v4.1: 62 of 1,614,032 alleles (0.0038%); highest among the groups gnomAD compares: East Asian, 0.016%; no homozygotes.

Submissions (3):

Labcorp Genetics (formerly Invitae), Labcorp
Classification: Uncertain significance for Familial cold autoinflammatory syndrome 2. Last evaluated: 2025-12-21. Review status: criteria provided, single submitter. Criteria: Invitae Variant Classification Sherloc (09022015). Collection method: clinical testing. Allele origin: germline.
Comment: This sequence change creates a premature translational stop signal (p.Arg1030*) in the NLRP12 gene. While this is not anticipated to result in nonsense mediated decay, it is expected to disrupt the last 32 amino acid(s) of the NLRP12 protein. This variant is present in population databases (rs201619538, gnomAD 0.02%). This premature translational stop signal has been observed in individual(s) with systemic autoinflammatory disease (PMID: 31155445, 38123482). ClinVar contains an entry for this variant (Variation ID: 945830). Experimental studies and prediction algorithms are not available or were not evaluated, and the functional significance of this variant is currently unknown. Algorithms developed to predict the effect of sequence changes on RNA splicing suggest that this variant may disrupt the consensus splice site. In summary, the available evidence is currently insufficient to determine the role of this variant in disease. Therefore, it has been classified as a Variant of Uncertain Significance.

Revvity Omics, Revvity
Classification: Uncertain significance for Familial cold autoinflammatory syndrome 2. Last evaluated: 2025-03-18. Review status: criteria provided, single submitter. Criteria: ACMG Guidelines, 2015. Collection method: clinical testing. Allele origin: germline.

Fulgent Genetics
Classification: Uncertain significance for Familial cold autoinflammatory syndrome 2. Last evaluated: 2022-04-27. Review status: criteria provided, single submitter. Criteria: ACMG Guidelines, 2015. Collection method: clinical testing. Allele origin: unknown.

Literature cited by the submitters: PubMed 31155445 (cited by Labcorp Genetics (formerly Invitae), Labcorp); PubMed 38123482 (cited by Labcorp Genetics (formerly Invitae), Labcorp).